The following is an entry in ClinVar:

NM_001105206.3(LAMA4):c.889G>A (p.Gly297Arg)

Gene: LAMA4 (laminin subunit alpha 4; minus strand). Cytogenetic location: 6q21.
Variant type: single nucleotide variant.
Coding change: c.889G>A on transcript NM_001105206.3 (MANE Select); coding-DNA position 889, G replaced by A.
Protein change: p.Gly297Arg; replaces glycine 297 with arginine.
Molecular consequence: missense variant.
Genome position (GRCh38, 1-based): chr6:112,187,527, C>T on the plus strand (G>A on the coding strand, the complement: LAMA4 is on the minus strand). VCF-style: chr6-112187527-C-T. GRCh37 (hg19) VCF-style: chr6-112508729-C-T.
Other names: c.868G>A (LRG_433t2, NM_002290.4); c.868G>A, p.Gly290Arg (NM_001105207.3, NM_002290.5); short protein forms G290R, G297R.
Identifiers: ClinVar variation 452921 (VCV000452921.13), dbSNP rs375305822, ClinGen allele CA3965999.
Genomic context (GRCh38, chr6:112,187,527, plus strand): 5'-TGGCGTTGATTTCATTCACGTGCCTATGAGCGGCGGCCCCAGAGGATACGCTCAGCACCC[C>T]GGATTTGCCTTCCTCGATGGAGAGCGCTGCTAACCGCAGGTCATCAGTCAGGTCCCAGAC-3'
Protein context (NP_001098676.2, residues 287-307): AALSIEEGKS[Gly297Arg]VLSVSSGAAA

ClinVar aggregate classification (germline): Conflicting classifications of pathogenicity. Review status: criteria provided, conflicting classifications (1 of 4 stars). 4 submissions from 4 submitters: Uncertain significance (3); Likely benign (1). Last evaluated 2026-09-08.

Conditions:
LAMA4-related disorder. Also called: LAMA4-related condition.
Dilated cardiomyopathy 1JJ (CMD1JJ). Identifiers: Orphanet 154, MedGen C3808935, MONDO:0014095, OMIM 615235.
Cardiovascular phenotype. Identifiers: MedGen CN230736.

Allele frequency attached by ClinVar (database versions not stated): gnomAD exomes 0.00001; ExAC 0.00002; gnomAD 0.00007; ESP Exome Variant Server 0.00008; TOPMed 0.00008.
gnomAD v4.1: 18 of 1,613,992 alleles (0.0011%); highest among the groups gnomAD compares: African/African-American, 0.024%; no homozygotes.

Submissions (4):

Ambry Genetics
Classification: Likely benign for Cardiovascular phenotype. Last evaluated: 2026-09-08. Review status: criteria provided, single submitter. Criteria: Ambry Variant Classification Scheme 2023. Collection method: clinical testing. Allele origin: germline.

PreventionGenetics, part of Exact Sciences
Classification: Uncertain significance for LAMA4-related condition. Last evaluated: 2026-05-11. Review status: criteria provided, single submitter. Criteria: ACMG Guidelines, 2015. Collection method: clinical testing. Allele origin: germline.
Comment: The LAMA4 c.868G>A variant is predicted to result in the amino acid substitution p.Gly290Arg. To our knowledge, this variant has not been reported in the literature. This variant is reported in 0.012% of alleles in individuals of African descent in gnomAD. At this time, the clinical significance of this variant is uncertain due to the absence of conclusive functional and genetic evidence.

Labcorp Genetics (formerly Invitae), Labcorp
Classification: Uncertain significance for Dilated cardiomyopathy 1JJ. Last evaluated: 2025-11-05. Review status: criteria provided, single submitter. Criteria: Invitae Variant Classification Sherloc (09022015). Collection method: clinical testing. Allele origin: germline.
Comment: This sequence change replaces glycine, which is neutral and non-polar, with arginine, which is basic and polar, at codon 290 of the LAMA4 protein (p.Gly290Arg). This variant is present in population databases (rs375305822, gnomAD 0.01%). This variant has not been reported in the literature in individuals affected with LAMA4-related conditions. ClinVar contains an entry for this variant (Variation ID: 452921). Invitae Evidence Modeling of protein sequence and biophysical properties (such as structural, functional, and spatial information, amino acid conservation, physicochemical variation, residue mobility, and thermodynamic stability) indicates that this missense variant is not expected to disrupt LAMA4 protein function with a negative predictive value of 80%. In summary, the available evidence is currently insufficient to determine the role of this variant in disease. Therefore, it has been classified as a Variant of Uncertain Significance.

GeneDx
Classification: Uncertain significance. Last evaluated: 2023-02-06. Review status: criteria provided, single submitter. Criteria: GeneDx Variant Classification Process June 2021. Collection method: clinical testing. Allele origin: germline. Affected: yes.
Comment: Has not been previously published as pathogenic or benign to our knowledge; Not observed at a significant frequency in large population cohorts (gnomAD); In silico analysis supports that this missense variant has a deleterious effect on protein structure/function